The following is an entry in ClinVar:

ClinVar aggregate classification (germline): Uncertain significance. Review status: criteria provided, multiple submitters, no conflicts (2 of 4 stars). 2 submissions from 2 submitters: Uncertain significance (2). Last evaluated 2024-10-11.

Conditions:
Hereditary cancer-predisposing syndrome. Also called: Hereditary Cancer Syndrome; Neoplastic Syndromes, Hereditary; Hereditary neoplastic syndrome; Tumor predisposition. Identifiers: Orphanet 140162, MedGen C0027672, MeSH D009386, MONDO:0015356.
Familial cancer of breast. Also called: Hereditary breast cancer; hereditary breast carcinoma; BREAST CANCER, FAMILIAL. Identifiers: Orphanet 227535, MedGen C0346153, MONDO:0016419, OMIM 114480. Disease mechanism: loss of function.
Fanconi anemia complementation group J. Also called: BRIP1-Related Fanconi Anemia. Identifiers: Orphanet 84, MedGen C1836860, MONDO:0012187, OMIM 609054.

Allele frequency attached by ClinVar (database versions not stated): gnomAD exomes below 0.00001.
gnomAD v4.1: 3 of 1,614,036 alleles (0.00019%); highest among the groups gnomAD compares: Non-Finnish European, 0.00025%; no homozygotes.

Submissions (2):

Ambry Genetics
Classification: Uncertain significance for Hereditary cancer-predisposing syndrome. Last evaluated: 2024-10-11. Review status: criteria provided, single submitter. Criteria: Ambry Variant Classification Scheme 2023. Collection method: clinical testing. Allele origin: germline.
Comment: The p.L946V variant (also known as c.2836C>G), located in coding exon 18 of the BRIP1 gene, results from a C to G substitution at nucleotide position 2836. The leucine at codon 946 is replaced by valine, an amino acid with highly similar properties. This amino acid position is not well conserved in available vertebrate species. In addition, this alteration is predicted to be tolerated by in silico analysis. Since supporting evidence is limited at this time, the clinical significance of this alteration remains unclear.

Labcorp Genetics (formerly Invitae), Labcorp
Classification: Uncertain significance for Familial cancer of breast; Fanconi anemia complementation group J. Last evaluated: 2024-04-15. Review status: criteria provided, single submitter. Criteria: Invitae Variant Classification Sherloc (09022015). Collection method: clinical testing. Allele origin: germline.
Comment: This sequence change replaces leucine, which is neutral and non-polar, with valine, which is neutral and non-polar, at codon 946 of the BRIP1 protein (p.Leu946Val). This variant is not present in population databases (gnomAD no frequency). This variant has not been reported in the literature in individuals affected with BRIP1-related conditions. ClinVar contains an entry for this variant (Variation ID: 821791). Advanced modeling of protein sequence and biophysical properties (such as structural, functional, and spatial information, amino acid conservation, physicochemical variation, residue mobility, and thermodynamic stability) performed at Invitae indicates that this missense variant is not expected to disrupt BRIP1 protein function with a negative predictive value of 80%. In summary, the available evidence is currently insufficient to determine the role of this variant in disease. Therefore, it has been classified as a Variant of Uncertain Significance.

NM_032043.3(BRIP1):c.2836C>G (p.Leu946Val)

Gene: BRIP1 (BRCA1 interacting DNA helicase 1; minus strand). Cytogenetic location: 17q23.2.
Variant type: single nucleotide variant.
Coding change: c.2836C>G on transcript NM_032043.3 (MANE Select); coding-DNA position 2836, C replaced by G.
Protein change: p.Leu946Val; replaces leucine 946 with valine.
Molecular consequence: missense variant.
Genome position (GRCh38, 1-based): chr17:61,685,905, G>C on the plus strand (C>G on the coding strand, the complement: BRIP1 is on the minus strand). VCF-style: chr17-61685905-G-C. GRCh37 (hg19) VCF-style: chr17-59763266-G-C.
Other names: short protein forms L946V.
Identifiers: ClinVar variation 821791 (VCV000821791.10), dbSNP rs1603276593, ClinGen allele CA400481385.